The following is an entry in ClinVar:

NM_004656.4(BAP1):c.1268_1274del (p.Thr423fs)

Gene: BAP1 (BRCA1 associated deubiquitinase 1; minus strand). Cytogenetic location: 3p21.1.
Variant type: Deletion.
Coding change: c.1268_1274del on transcript NM_004656.4 (MANE Select); coding-DNA positions 1268 to 1274, 7 bases deleted (CAGGGAA; older notation c.1268_1274delCAGGGAA).
Protein change: p.Thr423fs; shifts the reading frame from threonine 423.
Molecular consequence: frameshift variant.
Genome position (GRCh38, 1-based): chr3:52,403,871-52,403,877, TTCCCTG deleted on the plus strand (CAGGGAA on the coding strand, the reverse complement: BAP1 is on the minus strand); deleting any 7 consecutive bases within chr3:52,403,871-52,403,883 gives the same sequence; the c. name uses the placement nearest the transcript's 3' end. VCF-style (leftmost placement, unchanged base first): chr3-52403870-CTTCCCTG-C. GRCh37 (hg19) VCF-style: chr3-52437886-CTTCCCTG-C.
Other names: short protein forms T423fs.
Identifiers: ClinVar variation 1454807 (VCV001454807.6), dbSNP rs2153226766, ClinGen allele CA2573137328.

ClinVar aggregate classification (germline): Pathogenic (1 of 4 stars; one submission).

Conditions:
BAP1-related tumor predisposition syndrome (TPDS1). Also called: Tumor susceptibility linked to germline BAP1 mutations; BAP1 tumor predisposition syndrome; TUMOR PREDISPOSITION SYNDROME 1; COMMON Syndrome. Identifiers: Orphanet 289539, MedGen C3280492, MONDO:0013692, OMIM 614327.

Submission:

Labcorp Genetics (formerly Invitae), Labcorp
Classification: Pathogenic for BAP1-related tumor predisposition syndrome. Last evaluated: 2024-04-22. Review status: criteria provided, single submitter. Criteria: Invitae Variant Classification Sherloc (09022015). Collection method: clinical testing. Allele origin: germline.
Comment: This sequence change creates a premature translational stop signal (p.Thr423Serfs*5) in the BAP1 gene. It is expected to result in an absent or disrupted protein product. Loss-of-function variants in BAP1 are known to be pathogenic (PMID: 21874000, 23684012). This variant is not present in population databases (gnomAD no frequency). This variant has not been reported in the literature in individuals affected with BAP1-related conditions. ClinVar contains an entry for this variant (Variation ID: 1454807). For these reasons, this variant has been classified as Pathogenic.

Literature cited by the submitters: PubMed 21874000; PubMed 23684012.